The following is an entry in ClinVar:

ClinVar aggregate classification (germline): Uncertain significance (1 of 4 stars; one submission).

Submission:

Labcorp Genetics (formerly Invitae), Labcorp
Classification: Uncertain significance. Last evaluated: 2024-07-17. Review status: criteria provided, single submitter. Criteria: Invitae Variant Classification Sherloc (09022015). Collection method: clinical testing. Allele origin: germline.
Comment: This sequence change replaces methionine, which is neutral and non-polar, with isoleucine, which is neutral and non-polar, at codon 146 of the RAI1 protein (p.Met146Ile). This variant is not present in population databases (gnomAD no frequency). This variant has not been reported in the literature in individuals affected with RAI1-related conditions. Advanced modeling of protein sequence and biophysical properties (such as structural, functional, and spatial information, amino acid conservation, physicochemical variation, residue mobility, and thermodynamic stability) performed at Invitae indicates that this missense variant is not expected to disrupt RAI1 protein function with a negative predictive value of 80%. In summary, the available evidence is currently insufficient to determine the role of this variant in disease. Therefore, it has been classified as a Variant of Uncertain Significance.

NM_030665.4(RAI1):c.438G>A (p.Met146Ile)

Gene: RAI1 (retinoic acid induced 1; plus strand). Cytogenetic location: 17p11.2.
Variant type: single nucleotide variant.
Coding change: c.438G>A on transcript NM_030665.4 (MANE Select); coding-DNA position 438, G replaced by A.
Protein change: p.Met146Ile; replaces methionine 146 with isoleucine.
Molecular consequence: missense variant.
Genome position (GRCh38, 1-based): chr17:17,793,386, G>A. VCF-style: chr17-17793386-G-A. GRCh37 (hg19) VCF-style: chr17-17696700-G-A.
Other names: short protein forms M146I.
Identifiers: ClinVar variation 3659791 (VCV003659791.2).